The following is an entry in ClinVar:

NM_004304.5(ALK):c.1522G>A (p.Asp508Asn)

Gene: ALK (ALK receptor tyrosine kinase; minus strand). Cytogenetic location: 2p23.2.
Variant type: single nucleotide variant.
Coding change: c.1522G>A on transcript NM_004304.5 (MANE Select); coding-DNA position 1522, G replaced by A.
Protein change: p.Asp508Asn; replaces aspartic acid 508 with asparagine.
Molecular consequence: missense variant.
Genome position (GRCh38, 1-based): chr2:29,320,775, C>T on the plus strand (G>A on the coding strand, the complement: ALK is on the minus strand). VCF-style: chr2-29320775-C-T. GRCh37 (hg19) VCF-style: chr2-29543641-C-T.
Other names: short protein forms D508N.
Identifiers: ClinVar variation 4673194 (VCV004673194.1).

ClinVar aggregate classification (germline): Uncertain significance (1 of 4 stars; one submission).

Conditions:
Hereditary cancer-predisposing syndrome. Also called: Neoplastic Syndromes, Hereditary; Tumor predisposition; Hereditary Cancer Syndrome; Hereditary neoplastic syndrome. Identifiers: Orphanet 140162, MedGen C0027672, MeSH D009386, MONDO:0015356.

Submission:

Ambry Genetics
Classification: Uncertain significance for Hereditary cancer-predisposing syndrome. Last evaluated: 2025-10-01. Review status: criteria provided, single submitter. Criteria: Ambry Variant Classification Scheme 2023. Collection method: clinical testing. Allele origin: germline.
Comment: The p.D508N variant (also known as c.1522G>A), located in coding exon 7 of the ALK gene, results from a G to A substitution at nucleotide position 1522. The aspartic acid at codon 508 is replaced by asparagine, an amino acid with highly similar properties. This amino acid position is conserved. In addition, this alteration is predicted to be tolerated by in silico analysis. Based on the available evidence, the clinical significance of this variant remains unclear.